The following is an entry in ClinVar:

ClinVar aggregate classification (germline): Likely pathogenic (1 of 4 stars; one submission).

Submission:

Illumina Laboratory Services, Illumina
Classification: Likely pathogenic. Last evaluated: 2021-10-22. Review status: criteria provided, single submitter. Criteria: ICSL CNVClassificationCriteria Aug2020. Collection method: clinical testing. Allele origin: unknown.
Comment: This CNV is a 1.2 Mb duplication of 16p13.11 on chromosome 16, (seq[GRCh37]dup(16)(p13.11); chr16:g.15124581_16290348dup), which is inherited. This CNV constitutes a gain encompassing 12 protein-coding genes. Recurrent duplications of the 16p13.11 region have been described in at least 45 individuals, with gains in this region of similar or smaller size observed in 35 individuals (Allach El Khattabi et al. 2018). This region is susceptible to rearrangements due to non-allelic homologous recombination. The phenotypes in affected individuals are varied and low penetrance has been noted, estimated at 8.4%; therefore, asymptomatic carriers have also been observed. Age at diagnosis also varies ranging from infancy to adulthood. Most individuals have intellectual disability, developmental delays, and autism spectrum disorder (Hannes et al. 2009; Nagamani et al. 2011; Coe et al. 2014; Allach El Khattabi et al. 2018). Additional features may include congenital cardiac anomalies, seizures, feeding difficulties, and hypotonia, among others. Cardiac features were noted in approximately 24% of cases (Allach El Khattabi et al. 2018). Based on the available evidence, this CNV is classified as likely pathogenic with low penetrance and variable expressivity.

Literature cited by the submitters: PubMed 18550696; PubMed 21150890; PubMed 25217958; PubMed 30287593.

GRCh37/hg19 16p13.11(chr16:15124581-16290348)x3

Genes: ABCC6 (ATP binding cassette subfamily C member 6; minus strand), BMERB1 (bMERB domain containing 1; plus strand), ABCC1 (ATP binding cassette subfamily C member 1 (ABCC1 blood group); plus strand), CEP20 (centrosomal protein 20; minus strand), MARF1 (meiosis regulator and mRNA stability factor 1; minus strand) and 7 more. Cytogenetic location: 16p13.11.
Variant type: copy number gain.
Change: copy number 3 (three copies instead of two) of chr16:15,124,581-16,290,348 (1.17 Mb, GRCh37 coordinates, 1-based), cytogenetic band 16p13.11.
Identifiers: ClinVar variation 1328114 (VCV001328114.4).